The following is an entry in ClinVar:

NM_144499.3(GNAT1):c.292G>T (p.Asp98Tyr)

Gene: GNAT1 (G protein subunit alpha transducin 1; plus strand). Cytogenetic location: 3p21.31.
Variant type: single nucleotide variant.
Coding change: c.292G>T on transcript NM_144499.3 (MANE Select); coding-DNA position 292, G replaced by T.
Protein change: p.Asp98Tyr; replaces aspartic acid 98 with tyrosine.
Molecular consequence: missense variant.
Genome position (GRCh38, 1-based): chr3:50,193,506, G>T. VCF-style: chr3-50193506-G-T. GRCh37 (hg19) VCF-style: chr3-50230939-G-T.
Other names: c.292G>T, p.Asp98Tyr (NM_000172.4); short protein forms D98Y.
Identifiers: ClinVar variation 4770171 (VCV004770171.1).

ClinVar aggregate classification (germline): Uncertain significance (1 of 4 stars; one submission).

Submission:

Labcorp Genetics (formerly Invitae), Labcorp
Classification: Uncertain significance. Last evaluated: 2025-05-18. Review status: criteria provided, single submitter. Criteria: Invitae Variant Classification Sherloc (09022015). Collection method: clinical testing. Allele origin: germline.
Comment: This sequence change replaces aspartic acid, which is acidic and polar, with tyrosine, which is neutral and polar, at codon 98 of the GNAT1 protein (p.Asp98Tyr). This variant is not present in population databases (gnomAD no frequency). This variant has not been reported in the literature in individuals affected with GNAT1-related conditions. An algorithm developed to predict the effect of missense changes on protein structure and function (PolyPhen-2) suggests that this variant is likely to be disruptive. In summary, the available evidence is currently insufficient to determine the role of this variant in disease. Therefore, it has been classified as a Variant of Uncertain Significance.